The following is an entry in ClinVar:

NM_001110556.2(FLNA):c.1882G>T (p.Asp628Tyr)

Gene: FLNA (filamin A; minus strand). Cytogenetic location: Xq28.
Variant type: single nucleotide variant.
Coding change: c.1882G>T on transcript NM_001110556.2 (MANE Select); coding-DNA position 1882, G replaced by T.
Protein change: p.Asp628Tyr; replaces aspartic acid 628 with tyrosine.
Molecular consequence: missense variant.
Genome position (GRCh38, 1-based): chrX:154,364,666, C>A on the plus strand (G>T on the coding strand, the complement: FLNA is on the minus strand). VCF-style: chrX-154364666-C-A. GRCh37 (hg19) VCF-style: chrX-153593034-C-A.
Other names: c.1882G>T, p.Asp628Tyr (NM_001456.4); short protein forms D628Y.
Identifiers: ClinVar variation 2952465 (VCV002952465.3), dbSNP rs782534475, ClinGen allele CA415241855.

ClinVar aggregate classification (germline): Uncertain significance (1 of 4 stars; one submission).

Conditions:
Heterotopia, periventricular, X-linked dominant (PVNH1). Also called: PERIVENTRICULAR NODULAR HETEROTOPIA 1; X-linked periventricular heterotopia; PERIVENTRICULAR NODULAR HETEROTOPIA 4; HETEROTOPIA, PERIVENTRICULAR, 1. Identifiers: Orphanet 2149, Orphanet 82004, MedGen C1848213, MONDO:0010233, OMIM 300049.
Melnick-Needles syndrome (MNS). Also called: Melnick-Needles Syndrome (FLNA-MNS); MELNICK-NEEDLES OSTEODYSPLASTY; OSTEODYSPLASTY OF MELNICK AND NEEDLES. Identifiers: Orphanet 2484, MedGen C0025237, MONDO:0010650, OMIM 309350.
Frontometaphyseal dysplasia (FMD1). Identifiers: Orphanet 1826, MedGen C0265293, MONDO:0015942.
Oto-palato-digital syndrome, type II (OPD2). Also called: Otopalatodigital Syndrome Type 2 (FLNA-OPD2); FACIOPALATOOSSEOUS SYNDROME; OPD II SYNDROME; Otopalatodigital Syndrome, Type II. Identifiers: Orphanet 669, Orphanet 90652, MedGen C1844696, MONDO:0010571, OMIM 304120.

Submission:

Labcorp Genetics (formerly Invitae), Labcorp
Classification: Uncertain significance for Oto-palato-digital syndrome, type II; Heterotopia, periventricular, X-linked dominant; Frontometaphyseal dysplasia; Melnick-Needles syndrome. Last evaluated: 2024-12-02. Review status: criteria provided, single submitter. Criteria: Invitae Variant Classification Sherloc (09022015). Collection method: clinical testing. Allele origin: germline.
Comment: This sequence change replaces aspartic acid, which is acidic and polar, with tyrosine, which is neutral and polar, at codon 628 of the FLNA protein (p.Asp628Tyr). This variant is not present in population databases (gnomAD no frequency). This variant has not been reported in the literature in individuals affected with FLNA-related conditions. ClinVar contains an entry for this variant (Variation ID: 2952465). Invitae Evidence Modeling of protein sequence and biophysical properties (such as structural, functional, and spatial information, amino acid conservation, physicochemical variation, residue mobility, and thermodynamic stability) has been performed for this missense variant. However, the output from this modeling did not meet the statistical confidence thresholds required to predict the impact of this variant on FLNA protein function. In summary, the available evidence is currently insufficient to determine the role of this variant in disease. Therefore, it has been classified as a Variant of Uncertain Significance.